The following is an entry in ClinVar:

Conditions:
Breast-ovarian cancer, familial, susceptibility to, 1 (BROVCA1). Also called: BRCA1 Hereditary Breast and Ovarian Cancer; OVARIAN CANCER, SUSCEPTIBILITY TO. Identifiers: Orphanet 145, MedGen C2676676, MONDO:0011450, OMIM 604370. Disease mechanism: loss of function.

Submission:

Brotman Baty Institute, University of Washington
No classification provided (evidence only). Condition: Breast-ovarian cancer, familial 1. Review status: no classification provided. Collection method: in vitro. Allele origin: not applicable. Functional consequence: functionally_normal.
ClinVar note: "not provided" was previously submitted as the classification for the variant. However, the classification appeared to be based only on an observation of functional data so it was converted to no classification on 2025-07-30.

NM_007294.4(BRCA1):c.113A>C (p.Lys38Thr)

Gene: BRCA1 (BRCA1 DNA repair associated; minus strand). Cytogenetic location: 17q21.31.
Variant type: single nucleotide variant.
Coding change: c.113A>C on transcript NM_007294.4 (MANE Select); coding-DNA position 113, A replaced by C.
Protein change: p.Lys38Thr; replaces lysine 38 with threonine.
Molecular consequence: missense variant. On other transcripts: non-coding transcript variant (1), intron variant (1).
Genome position (GRCh38, 1-based): chr17:43,115,747, T>G on the plus strand (A>C on the coding strand, the complement: BRCA1 is on the minus strand). VCF-style: chr17-43115747-T-G. GRCh37 (hg19) VCF-style: chr17-41267764-T-G.
Other names: c.113A>C, p.Lys38Thr (NM_001407993.1, NM_001408392.1, NM_001408396.1 and 192 more transcripts); c.-29A>C (NM_001408410.1, NM_001408452.1, NM_001408453.1 and 47 more transcripts); c.-145A>C (NM_001408455.1, NM_001408456.1, NM_001408468.1 and 13 more transcripts); c.-149A>C (NM_001408465.1, NM_001407695.1); c.-76A>C (NM_001408478.1, NM_001408479.1, NM_001408480.1 and 52 more transcripts); c.-192A>C (NM_001408492.1, NM_001407889.1, NM_001407900.1); c.-191A>C (NM_001408510.1, NM_001408512.1, NM_001407960.1 and 1 more transcripts); c.-8+8270A>C (NM_007297.4); and 2 more; short protein forms K38T.
Identifiers: ClinVar variation 865131 (VCV000865131.3), dbSNP rs2055251821, ClinGen allele CA10601931.